The following is an entry in ClinVar:

ClinVar aggregate classification (germline): Uncertain significance (1 of 4 stars; one submission).

gnomAD v4.1: 8 of 1,614,170 alleles (0.0005%); highest among the groups gnomAD compares: Non-Finnish European, 0.00068%; no homozygotes.

Submission:

Labcorp Genetics (formerly Invitae), Labcorp
Classification: Uncertain significance. Last evaluated: 2025-11-25. Review status: criteria provided, single submitter. Criteria: Invitae Variant Classification Sherloc (09022015). Collection method: clinical testing. Allele origin: germline.
Comment: This sequence change replaces proline, which is neutral and non-polar, with serine, which is neutral and polar, at codon 799 of the DSCAML1 protein (p.Pro799Ser). This variant is not present in population databases (gnomAD no frequency). This variant has not been reported in the literature in individuals affected with DSCAML1-related conditions. An algorithm developed to predict the effect of missense changes on protein structure and function (PolyPhen-2) suggests that this variant is likely to be tolerated. In summary, the available evidence is currently insufficient to determine the role of this variant in disease. Therefore, it has been classified as a Variant of Uncertain Significance.

NM_020693.4(DSCAML1):c.2215C>T (p.Pro739Ser)

Gene: DSCAML1 (DS cell adhesion molecule like 1; minus strand). Cytogenetic location: 11q23.3.
Variant type: single nucleotide variant.
Coding change: c.2215C>T on transcript NM_020693.4 (MANE Select); coding-DNA position 2215, C replaced by T.
Protein change: p.Pro739Ser; replaces proline 739 with serine.
Molecular consequence: missense variant.
Genome position (GRCh38, 1-based): chr11:117,503,989, G>A on the plus strand (C>T on the coding strand, the complement: DSCAML1 is on the minus strand). VCF-style: chr11-117503989-G-A. GRCh37 (hg19) VCF-style: chr11-117374704-G-A.
Other names: c.2215C>T, p.Pro739Ser (NM_001367904.1); short protein forms P739S.
Identifiers: ClinVar variation 4807698 (VCV004807698.1).
Genomic context (GRCh38, chr11:117,503,989, plus strand): 5'-CTAGGACGTGGCGGATCAGCAGCGAGCTGTTGGGCAGGATCTGGATGCGGCCAGTGAGGG[G>A]CACAGGGTGGTACTGCTGGGGGTTCCCGCTCCCTGGAAGGAGGCAGCTGTTAGGAGGGCT-3'
Protein context (NP_065744.3, residues 729-749): SGNPQQYHPV[Pro739Ser]LTGRIQILPN